The following is an entry in ClinVar:

NM_005529.7(HSPG2):c.10144G>A (p.Val3382Ile)

Gene: HSPG2 (heparan sulfate proteoglycan 2; minus strand). Cytogenetic location: 1p36.12.
Variant type: single nucleotide variant.
Coding change: c.10144G>A on transcript NM_005529.7 (MANE Select); coding-DNA position 10144, G replaced by A.
Protein change: p.Val3382Ile; replaces valine 3382 with isoleucine.
Molecular consequence: missense variant.
Genome position (GRCh38, 1-based): chr1:21,838,831, C>T on the plus strand (G>A on the coding strand, the complement: HSPG2 is on the minus strand). VCF-style: chr1-21838831-C-T. GRCh37 (hg19) VCF-style: chr1-22165324-C-T.
Other names: c.10147G>A, p.Val3383Ile (NM_001291860.2); short protein forms V3382I, V3383I.
Identifiers: ClinVar variation 593745 (VCV000593745.17), dbSNP rs147177951, ClinGen allele CA670220.

ClinVar aggregate classification (germline): Uncertain significance. Review status: criteria provided, multiple submitters, no conflicts (2 of 4 stars). 5 submissions from 4 submitters: Uncertain significance (5). Last evaluated 2024-04-12.

Conditions:
Inborn genetic diseases. Identifiers: MedGen C0950123, MeSH D030342.
Lethal Kniest-like syndrome (DDSH). Also called: Dyssegmental Dysplasia. Identifiers: Orphanet 1865, MedGen C1857100, MONDO:0009140, OMIM 224410.
Schwartz-Jampel syndrome. Also called: Myotonic myopathy dwarfism chondrodystrophy and ocular and facial abnormalities. Identifiers: Orphanet 800, MedGen C0036391, MONDO:0009717.

Allele frequency attached by ClinVar (database versions not stated): ExAC 0.00003; gnomAD 0.00006; TOPMed 0.00006; ESP Exome Variant Server 0.00008.
gnomAD v4.1: 42 of 1,611,964 alleles (0.0026%); highest among the groups gnomAD compares: Middle Eastern, 0.017%; no homozygotes.

Submissions (5):

Ambry Genetics
Classification: Uncertain significance for Inborn genetic diseases. Last evaluated: 2024-04-12. Review status: criteria provided, single submitter. Criteria: Ambry Variant Classification Scheme 2023. Collection method: clinical testing. Allele origin: germline.

Labcorp Genetics (formerly Invitae), Labcorp
Classification: Uncertain significance. Last evaluated: 2022-06-24. Review status: criteria provided, single submitter. Criteria: Invitae Variant Classification Sherloc (09022015). Collection method: clinical testing. Allele origin: germline.
Comment: In summary, the available evidence is currently insufficient to determine the role of this variant in disease. Therefore, it has been classified as a Variant of Uncertain Significance. Algorithms developed to predict the effect of missense changes on protein structure and function output the following: SIFT: "Deleterious"; PolyPhen-2: "Benign"; Align-GVGD: "Class C0". The isoleucine amino acid residue is found in multiple mammalian species, which suggests that this missense change does not adversely affect protein function. ClinVar contains an entry for this variant (Variation ID: 593745). This variant has not been reported in the literature in individuals affected with HSPG2-related conditions. This variant is present in population databases (rs147177951, gnomAD 0.02%). This sequence change replaces valine, which is neutral and non-polar, with isoleucine, which is neutral and non-polar, at codon 3382 of the HSPG2 protein (p.Val3382Ile).

Illumina Laboratory Services, Illumina
Classification: Uncertain significance for Lethal Kniest-like syndrome. Last evaluated: 2018-01-12. Review status: criteria provided, single submitter. Criteria: ICSL Variant Classification Criteria 13 December 2019. Collection method: clinical testing. Allele origin: germline.

Illumina Laboratory Services, Illumina
Classification: Uncertain significance for Schwartz-Jampel syndrome type 1. Last evaluated: 2018-01-12. Review status: criteria provided, single submitter. Criteria: ICSL Variant Classification Criteria 13 December 2019. Collection method: clinical testing. Allele origin: germline.

Eurofins Ntd Llc (ga)
Classification: Uncertain significance. Last evaluated: 2017-09-12. Review status: criteria provided, single submitter. Criteria: EGL Classification Definitions 2015. Collection method: clinical testing. Allele origin: germline. Observed: 1 variant allele, 1 heterozygote.